The following is an entry in ClinVar:

NM_001709.5(BDNF):c.-21-15708dup

Genes: BDNF (brain derived neurotrophic factor; minus strand), BDNF-AS (BDNF antisense RNA; plus strand). Cytogenetic location: 11p14.1.
Variant type: Duplication.
Coding change: c.-21-15708dup on transcript NM_001709.5 (MANE Select); 15708 bases into the intron before 21 bases upstream of the start codon, one base duplicated (G; older notation c.-21-15708dupG).
Molecular consequence: intron variant. On other transcripts: 5 prime UTR variant (2).
Genome position (GRCh38, 1-based): chr11:27,674,293, C duplicated on the plus strand (G on the coding strand, the reverse complement: BDNF is on the minus strand); the first of 2 consecutive C bases (chr11:27,674,293-27,674,294); duplicating either gives the same sequence. VCF-style (leftmost placement, unchanged base first): chr11-27674292-T-TC. GRCh37 (hg19) VCF-style: chr11-27695839-T-TC.
Other names: c.-9dup (NM_001143810.2); c.-372dup (NM_001143811.2); c.4-15708dup (NM_170731.5); c.-21-15708dup (NM_001143805.1, NM_001143806.1, NM_170732.4 and 5 more transcripts); c.67-15708dup (NM_001143809.2); c.-128-15367dup (NM_001143814.2); c.25-15708dup (NM_170734.4).
Identifiers: ClinVar variation 4994106 (VCV004994106.1).

ClinVar aggregate classification (germline): Uncertain significance (1 of 4 stars; one submission).

Conditions:
BDNF-related disorder. Also called: BDNF-related condition.

Submission:

PreventionGenetics, part of Exact Sciences
Classification: Uncertain significance for BDNF-related condition. Last evaluated: 2025-09-03. Review status: criteria provided, single submitter. Criteria: ACMG Guidelines, 2015. Collection method: clinical testing. Allele origin: germline.
Comment: The BDNF c.67-15708dupG variant is predicted to result in an intronic duplication. To our knowledge, this variant has not been reported in the literature or in a large population database (gnomAD), indicating this variant is rare. At this time, the clinical significance of this variant is uncertain due to the absence of conclusive functional and genetic evidence.